The following is an entry in ClinVar:

NM_001127208.3(TET2):c.1502G>T (p.Cys501Phe)

Genes: TET2 (tet methylcytosine dioxygenase 2; plus strand), TET2-AS1 (TET2 antisense RNA 1; minus strand). Cytogenetic location: 4q24.
Variant type: single nucleotide variant.
Coding change: c.1502G>T on transcript NM_001127208.3 (MANE Select); coding-DNA position 1502, G replaced by T.
Protein change: p.Cys501Phe; replaces cysteine 501 with phenylalanine.
Molecular consequence: missense variant.
Genome position (GRCh38, 1-based): chr4:105,235,444, G>T. VCF-style: chr4-105235444-G-T. GRCh37 (hg19) VCF-style: chr4-106156601-G-T.
Other names: c.1502G>T, p.Cys501Phe (NM_017628.4); short protein forms C501F.
Identifiers: ClinVar variation 3967590 (VCV003967590.1).

ClinVar aggregate classification (germline): Uncertain significance (1 of 4 stars; one submission).

Submission:

Ambry Genetics
Classification: Uncertain significance. Last evaluated: 2025-04-25. Review status: criteria provided, single submitter. Criteria: Ambry Variant Classification Scheme 2023. Collection method: clinical testing. Allele origin: germline.
Comment: The p.C501F variant (also known as c.1502G>T), located in coding exon 1 of the TET2 gene, results from a G to T substitution at nucleotide position 1502. The cysteine at codon 501 is replaced by phenylalanine, an amino acid with highly dissimilar properties. This amino acid position is conserved. In addition, this alteration is predicted to be tolerated by in silico analysis. Based on the available evidence, the clinical significance of this variant remains unclear.